The following is an entry in ClinVar:

ClinVar aggregate classification (germline): Likely benign. Review status: criteria provided, multiple submitters, no conflicts (2 of 4 stars). 2 submissions from 2 submitters: Likely benign (2). Last evaluated 2025-06-09.

Allele frequency attached by ClinVar (database versions not stated): ExAC 0.00001; gnomAD 0.00001; gnomAD exomes 0.00002; TOPMed 0.00002; ESP Exome Variant Server 0.00008.
gnomAD v4.1: 24 of 1,592,362 alleles (0.0015%); highest among the groups gnomAD compares: Non-Finnish European, 0.0021%; no homozygotes.

Submissions (2):

Labcorp Genetics (formerly Invitae), Labcorp
Classification: Likely benign. Last evaluated: 2025-06-09. Review status: criteria provided, single submitter. Criteria: Invitae Variant Classification Sherloc (09022015). Collection method: clinical testing. Allele origin: germline.

CeGaT Center for Human Genetics Tuebingen
Classification: Likely benign. Last evaluated: 2023-10-01. Review status: criteria provided, single submitter. Criteria: CeGaT Center For Human Genetics Tuebingen Variant Classification Criteria Version 2. Collection method: clinical testing. Allele origin: germline. Affected: yes. Observed: 1 variant allele.
Comment: KMT2B: BP4, BP7

NM_014727.3(KMT2B):c.3585T>C (p.Ser1195=)

Gene: KMT2B (lysine methyltransferase 2B; plus strand). Cytogenetic location: 19q13.12.
Variant type: single nucleotide variant.
Coding change: c.3585T>C on transcript NM_014727.3 (MANE Select); coding-DNA position 3585, T replaced by C.
Protein change: p.Ser1195=; no amino-acid change (serine 1195 retained).
Molecular consequence: synonymous variant.
Genome position (GRCh38, 1-based): chr19:35,725,276, T>C. VCF-style: chr19-35725276-T-C. GRCh37 (hg19) VCF-style: chr19-36216177-T-C.
Identifiers: ClinVar variation 2649740 (VCV002649740.27), dbSNP rs369581901, ClinGen allele CA9384803.